The following is an entry in ClinVar:

NM_002047.4(GARS1):c.1699+285G>A

Gene: GARS1 (glycyl-tRNA synthetase 1; plus strand). Cytogenetic location: 7p14.3.
Variant type: single nucleotide variant.
Coding change: c.1699+285G>A on transcript NM_002047.4 (MANE Select); 285 bases into the intron after coding-DNA position 1699, G replaced by A.
Molecular consequence: intron variant.
Genome position (GRCh38, 1-based): chr7:30,626,604, G>A. VCF-style: chr7-30626604-G-A. GRCh37 (hg19) VCF-style: chr7-30666220-G-A.
Other names: c.1537+285G>A (NM_001316772.1).
Identifiers: ClinVar variation 671767 (VCV000671767.1), dbSNP rs77121610, ClinGen allele CA12584516.

ClinVar aggregate classification (germline): Benign (1 of 4 stars; one submission).

Allele frequency attached by ClinVar (database versions not stated): 1000 Genomes Project 0.08227; 1000 Genomes Project 30x 0.08370; gnomAD 0.09173 and 0.09754; TOPMed 0.10244.
gnomAD v4.1: 13,991 of 152,242 alleles (9.2%); highest among the groups gnomAD compares: African/African-American, 23%; 1,245 homozygotes.

Submission:

GeneDx
Classification: Benign. Last evaluated: 2018-06-19. Review status: criteria provided, single submitter. Criteria: GeneDx Variant Classification (06012015). Collection method: clinical testing. Allele origin: germline. Affected: yes.
Comment: This variant is considered likely benign or benign based on one or more of the following criteria: it is a conservative change, it occurs at a poorly conserved position in the protein, it is predicted to be benign by multiple in silico algorithms, and/or has population frequency not consistent with disease.